The following is an entry in ClinVar:

NM_002843.4(PTPRJ):c.68TGC[7] (p.Leu28_Arg29insLeu)

Genes: PTPRJ (protein tyrosine phosphatase receptor type J; plus strand), LOC130005691 (ATAC-STARR-seq lymphoblastoid silent region 3339; plus strand). Cytogenetic location: 11p11.2.
Variant type: Microsatellite.
Coding change: c.68TGC[7] on transcript NM_002843.4 (MANE Select); seven copies in a row of the 3-base unit TGC starting at c.68; the reference has six copies in a row; one copy, 3 bases duplicated.
Protein change: p.Leu28_Arg29insLeu.
Molecular consequence: inframe insertion.
Genome position (GRCh38, 1-based): chr11:47,980,995-47,980,997, TGC duplicated; duplicating any 3 consecutive bases within chr11:47,980,978-47,980,997 gives the same sequence; the position shown is the placement nearest the transcript's 3' end. VCF-style (leftmost placement, unchanged base first): chr11-47980977-C-CGCT. GRCh37 (hg19) VCF-style: chr11-48002529-C-CGCT.
Other names: c.68TGC[7], p.Leu28_Arg29insLeu (NM_001098503.2).
Identifiers: ClinVar variation 2634057 (VCV002634057.1), dbSNP rs747484779, ClinGen allele CA222099461.
Genomic context (GRCh38, chr11:47,980,977, plus strand): 5'-AGCCGGCGGCGCGGGAGGCGCGGCTGCCTCCGCGCTCGCCCGGGCTGCGCTGGGCGCTGC[C>CGCT]GCTGCTGCTGCTGCTGCTGCGCCTGGGCCAGGTAAGCGCCGGGTGGGCTCGGGCGGGGGG-3'

ClinVar aggregate classification (germline): Uncertain significance (1 of 4 stars; one submission).

Conditions:
PTPRJ-related disorder. Also called: PTPRJ-related condition.

Submission:

PreventionGenetics, part of Exact Sciences
Classification: Uncertain significance for PTPRJ-related condition. Last evaluated: 2023-07-02. Review status: criteria provided, single submitter. Criteria: ACMG Guidelines, 2015. Collection method: clinical testing. Allele origin: germline.
Comment: The PTPRJ c.83_85dupTGC variant is predicted to result in an in-frame duplication (p.Leu28dup). To our knowledge, this variant has not been reported in the literature. This variant is reported in 0.024% of alleles in individuals of African descent in gnomAD. At this time, the clinical significance of this variant is uncertain due to the absence of conclusive functional and genetic evidence.